The following is an entry in ClinVar:

NM_017780.4(CHD7):c.5708G>A (p.Trp1903Ter)

Gene: CHD7 (chromodomain helicase DNA binding protein 7; plus strand). Cytogenetic location: 8q12.2.
Variant type: single nucleotide variant.
Coding change: c.5708G>A on transcript NM_017780.4 (MANE Select); coding-DNA position 5708, G replaced by A.
Protein change: p.Trp1903Ter; replaces tryptophan 1903 with a stop codon.
Molecular consequence: nonsense. On other transcripts: intron variant (1).
Genome position (GRCh38, 1-based): chr8:60,852,061, G>A. VCF-style: chr8-60852061-G-A. GRCh37 (hg19) VCF-style: chr8-61764620-G-A.
Other names: c.1717-10168G>A (NM_001316690.1); short protein forms W1903*.
Identifiers: ClinVar variation 2863251 (VCV002863251.3), dbSNP rs2488029385, ClinGen allele CA371322449.

ClinVar aggregate classification (germline): Pathogenic (1 of 4 stars; one submission).

Conditions:
CHARGE syndrome (CHARGE). Also called: Hittner Hirsch Kreh syndrome; CHARGE ASSOCIATION--COLOBOMA, HEART ANOMALY, CHOANAL ATRESIA, RETARDATION, GENITAL AND EAR ANOMALIES; Coloboma, heart anomaly, choanal atresia, retardation, genital and ear anomalies; CHARGE association; Hall-Hittner syndrome. Identifiers: Orphanet 138, MedGen C0265354, MONDO:0008965.

Submission:

Labcorp Genetics (formerly Invitae), Labcorp
Classification: Pathogenic for CHARGE syndrome. Last evaluated: 2023-05-10. Review status: criteria provided, single submitter. Criteria: Invitae Variant Classification Sherloc (09022015). Collection method: clinical testing. Allele origin: germline.
Comment: For these reasons, this variant has been classified as Pathogenic. This premature translational stop signal has been observed in individual(s) with CHARGE syndrome (PMID: 16400610). This variant is not present in population databases (gnomAD no frequency). This sequence change creates a premature translational stop signal (p.Trp1903*) in the CHD7 gene. It is expected to result in an absent or disrupted protein product. Loss-of-function variants in CHD7 are known to be pathogenic (PMID: 22461308, 25077900).

Literature cited by the submitters: PubMed 16400610; PubMed 22461308; PubMed 25077900.